The following is an entry in ClinVar:

ClinVar aggregate classification (germline): Uncertain significance (1 of 4 stars; one submission).

Conditions:
Congenital myasthenic syndrome 8. Also called: Myasthenic syndrome, congenital, 8, with pre- and postsynaptic defects; MYASTHENIC SYNDROME, CONGENITAL, DUE TO AGRIN DEFICIENCY. Identifiers: Orphanet 590, MedGen C3808739, MONDO:0014052, OMIM 615120.

Submission:

Labcorp Genetics (formerly Invitae), Labcorp
Classification: Uncertain significance for Congenital myasthenic syndrome 8. Last evaluated: 2024-05-20. Review status: criteria provided, single submitter. Criteria: Invitae Variant Classification Sherloc (09022015). Collection method: clinical testing. Allele origin: germline.
Comment: This sequence change replaces serine, which is neutral and polar, with leucine, which is neutral and non-polar, at codon 595 of the AGRN protein (p.Ser595Leu). This variant is present in population databases (no rsID available, gnomAD 0.008%). This variant has not been reported in the literature in individuals affected with AGRN-related conditions. ClinVar contains an entry for this variant (Variation ID: 958334). An algorithm developed to predict the effect of missense changes on protein structure and function (PolyPhen-2) suggests that this variant is likely to be disruptive. In summary, the available evidence is currently insufficient to determine the role of this variant in disease. Therefore, it has been classified as a Variant of Uncertain Significance.

NM_198576.4(AGRN):c.1783_1784delinsCT (p.Ser595Leu)

Gene: AGRN (agrin; plus strand). Cytogenetic location: 1p36.33.
Variant type: Indel.
Coding change: c.1783_1784delinsCT on transcript NM_198576.4 (MANE Select); coding-DNA positions 1783 to 1784, TC replaced by CT.
Protein change: p.Ser595Leu; replaces serine 595 with leucine.
Molecular consequence: missense variant.
Genome position (GRCh38, 1-based): chr1:1,043,717-1,043,718, TC replaced by CT. VCF-style: chr1-1043717-TC-CT. GRCh37 (hg19) VCF-style: chr1-979097-TC-CT.
Other names: c.1783_1784delinsCT, p.Ser595Leu (NM_001305275.2); c.1468_1469delinsCT, p.Ser490Leu (NM_001364727.2); short protein forms S490L, S595L.
Identifiers: ClinVar variation 958334 (VCV000958334.8), dbSNP rs1645011212, ClinGen allele CA1139655452.
Genomic context (GRCh38, chr1:1,043,717, plus strand): 5'-CCCAGCGAGTGCATGCTGCACGTGCACGCCTGCACACACCAGATCAGCCTGCACGTGGCC[TC>CT]AGCTGGACCCTGTGGTGAGTGAGGCCCTGGGGCCGGGCGGGCCAGGGTCCTGTGCCTCCC-3'
Protein context (NP_940978.2, residues 585-605): CTHQISLHVA[Ser595Leu]AGPCETCGDA